The following is an entry in ClinVar:

NM_004168.4(SDHA):c.324T>C (p.Asn108=)

Gene: SDHA (succinate dehydrogenase complex flavoprotein subunit A; plus strand). Cytogenetic location: 5p15.33.
Variant type: single nucleotide variant.
Coding change: c.324T>C on transcript NM_004168.4 (MANE Select); coding-DNA position 324, T replaced by C.
Protein change: p.Asn108=; no amino-acid change (asparagine 108 retained).
Molecular consequence: synonymous variant. On other transcripts: intron variant (1).
Genome position (GRCh38, 1-based): chr5:225,430, T>C. VCF-style: chr5-225430-T-C. GRCh37 (hg19) VCF-style: chr5-225545-T-C.
Other names: c.324T>C, p.Asn108= (NM_001330758.2); c.313-453T>C (NM_001294332.2).
Identifiers: ClinVar variation 3904674 (VCV003904674.1).
Genomic context (GRCh38, chr5:225,430, plus strand): 5'-AAGTTGGCGCTCCTGTTTGTGGCTTGTAAGGAGTGGTTGGTGTTTCCAGGGAGGAATCAA[T>C]GCTGCTCTGGGGAACATGGAGGAGGACAACTGGAGGTGGCATTTCTACGACACCGTGAAG-3'
Protein context (NP_004159.2, residues 98-118): SHTVAAQGGI[Asn108=]AALGNMEEDN

ClinVar aggregate classification (germline): Benign (1 of 4 stars; one submission).

Conditions:
Pheochromocytoma/paraganglioma syndrome 5. Also called: Paragangliomas 5; SDHA-Related Hereditary Paraganglioma-Pheochromocytoma Syndrome. Identifiers: Orphanet 29072, MedGen C3279992, MONDO:0013602, OMIM 614165.

gnomAD v4.1: 1 of 1,612,552 alleles (0.000062%); highest among the groups gnomAD compares: East Asian, 0.0022%; no homozygotes.

Submission:

Myriad Genetics, Inc.
Classification: Benign for Pheochromocytoma/paraganglioma syndrome 5. Last evaluated: 2025-02-28. Review status: criteria provided, single submitter. Criteria: Myriad Autosomal Dominant, Autosomal Recessive and X-Linked Classification Criteria (2023). Collection method: clinical testing. Allele origin: unknown.
Comment: This variant is considered benign. This variant is a silent/synonymous amino acid change and it is not expected to impact splicing.